The following is an entry in ClinVar:

NM_014717.3(ZNF536):c.2039C>T (p.Ser680Phe)

Gene: ZNF536 (zinc finger protein 536; plus strand). Cytogenetic location: 19q12.
Variant type: single nucleotide variant.
Coding change: c.2039C>T on transcript NM_014717.3 (MANE Select); coding-DNA position 2039, C replaced by T.
Protein change: p.Ser680Phe; replaces serine 680 with phenylalanine.
Molecular consequence: missense variant.
Genome position (GRCh38, 1-based): chr19:30,445,601, C>T. VCF-style: chr19-30445601-C-T. GRCh37 (hg19) VCF-style: chr19-30936508-C-T.
Other names: c.2039C>T, p.Ser680Phe (NM_001352260.2, NM_001376110.1, NM_001376111.1 and 1 more transcripts); short protein forms S680F.
Identifiers: ClinVar variation 4976604 (VCV004976604.1).

ClinVar aggregate classification (germline): Uncertain significance (1 of 4 stars; one submission).

Submission:

GeneDx
Classification: Uncertain significance. Last evaluated: 2022-05-13. Review status: criteria provided, single submitter. Criteria: GeneDx Variant Classification Process June 2021. Collection method: clinical testing. Allele origin: germline.
Comment: Not observed at significant frequency in large population cohorts (gnomAD); In silico analysis supports that this missense variant has a deleterious effect on protein structure/function; Has not been previously published as pathogenic or benign to our knowledge; Variants in candidate genes are classified as variants of uncertain significance in accordance with ACMG guidelines (Richards et al., 2015)